The following is an entry in ClinVar:

NM_000051.4(ATM):c.7307+18A>G

Genes: ATM (ATM serine/threonine kinase; plus strand), C11orf65 (chromosome 11 open reading frame 65; minus strand). Cytogenetic location: 11q22.3.
Variant type: single nucleotide variant.
Coding change: c.7307+18A>G on transcript NM_000051.4 (MANE Select); 18 bases into the intron after coding-DNA position 7307, A replaced by G.
Molecular consequence: intron variant.
Genome position (GRCh38, 1-based): chr11:108,329,256, A>G. VCF-style: chr11-108329256-A-G. GRCh37 (hg19) VCF-style: chr11-108199983-A-G.
Other names: c.7307+18A>G (NM_001351834.2); c.641-20185T>C (NM_001330368.2); c.*38+5964T>C (NM_001351110.2).
Identifiers: ClinVar variation 420710 (VCV000420710.11), dbSNP rs777909508, ClinGen allele CA16619229.

ClinVar aggregate classification (germline): Conflicting classifications of pathogenicity. Review status: criteria provided, conflicting classifications (1 of 4 stars). 3 submissions from 3 submitters: Uncertain significance (1); Likely benign (2). Last evaluated 2026-03-03.

Conditions:
Hereditary cancer-predisposing syndrome. Also called: Neoplastic Syndromes, Hereditary; Hereditary Cancer Syndrome; Tumor predisposition; Hereditary neoplastic syndrome. Identifiers: Orphanet 140162, MedGen C0027672, MeSH D009386, MONDO:0015356.
Ataxia-telangiectasia syndrome (AT). Also called: LOUIS-BAR SYNDROME; Cerebello-oculocutaneous telangiectasia; Immunodeficiency with ataxia telangiectasia; Ataxia-telangiectasia, complementation group D; AT, COMPLEMENTATION GROUP C; Ataxia-telangiectasia, complementation group E. Identifiers: Orphanet 100, MedGen C0004135, MONDO:0008840, OMIM 208900.

gnomAD v4.1: 3 of 1,593,942 alleles (0.00019%); highest among the groups gnomAD compares: African/African-American, 0.0013%; no homozygotes.

Submissions (3):

Ambry Genetics
Classification: Likely benign for Hereditary cancer-predisposing syndrome. Last evaluated: 2026-03-03. Review status: criteria provided, single submitter. Criteria: Ambry Variant Classification Scheme 2023. Collection method: clinical testing. Allele origin: germline.

Labcorp Genetics (formerly Invitae), Labcorp
Classification: Likely benign for Ataxia-telangiectasia syndrome. Last evaluated: 2026-02-02. Review status: criteria provided, single submitter. Criteria: Invitae Variant Classification Sherloc (09022015). Collection method: clinical testing. Allele origin: germline.

GeneDx
Classification: Uncertain significance. Last evaluated: 2016-03-23. Review status: criteria provided, single submitter. Criteria: GeneDx Variant Classification (06012015). Collection method: clinical testing. Allele origin: germline. Affected: yes.
Comment: This variant is denoted ATM c.7307+18A>G or IVS49+18A>G and consists of a A>G nucleotide substitution at the +18 position of intron 49 of the ATM gene. Multiple in silico models predict this variant to create a cryptic splice donor site and to possibly cause abnormal gene splicing; however, in the absence of RNA or functional studies, the actual effect of this variant is unknown. This variant has not, to our knowledge, been published in the literature as pathogenic or benign. ATM c.7307+18A>G was not observed in approximately 6,500 individuals of European and African American ancestry in the NHLBI Exome Sequencing Project, suggesting it is not a common benign variant in these populations. The adenine (A) nucleotide that is altered is not conserved across species. Based on currently available information, it is unclear whether ATM c.7307+18A>G is pathogenic or benign. We consider it to be a variant of uncertain significance.